The following is an entry in ClinVar:

ClinVar aggregate classification (germline): Uncertain significance. Review status: criteria provided, multiple submitters, no conflicts (2 of 4 stars). 4 submissions from 4 submitters: Uncertain significance (3). 1 of the submissions does not count toward it. Last evaluated 2025-09-09.

Conditions:
VPS13B-related disorder. Also called: VPS13B-related condition.
Cohen syndrome (COH1). Also called: PEPPER SYNDROME; Cutis verticis gyrata, retinitis pigmentosa, and sensorineural deafness. Identifiers: Orphanet 193, MedGen C0265223, MONDO:0008999, OMIM 216550.

Allele frequency attached by ClinVar (database versions not stated): gnomAD exomes 0.00008 and 0.00004; ESP Exome Variant Server 0.00023; gnomAD 0.00002 and 0.00003; TOPMed 0.00003; ExAC 0.00004.
gnomAD v4.1: 113 of 1,613,884 alleles (0.007%); highest among the groups gnomAD compares: Non-Finnish European, 0.0092%; no homozygotes.

Submissions (4):

PreventionGenetics, part of Exact Sciences
Classification: Uncertain significance for VPS13B-related condition. Last evaluated: 2025-09-09. Review status: criteria provided, single submitter. Criteria: ACMG Guidelines, 2015. Collection method: clinical testing. Allele origin: germline.
Comment: The VPS13B c.4280G>A variant is predicted to result in the amino acid substitution p.Cys1427Tyr. To our knowledge, this variant has not been reported in the literature. This variant is reported in 0.0088% of alleles in individuals of European (Non-Finnish) descent in gnomAD. At this time, the clinical significance of this variant is uncertain due to the absence of conclusive functional and genetic evidence.

Labcorp Genetics (formerly Invitae), Labcorp
Classification: Uncertain significance for Cohen syndrome. Last evaluated: 2022-07-26. Review status: criteria provided, single submitter. Criteria: Invitae Variant Classification Sherloc (09022015). Collection method: clinical testing. Allele origin: germline.
Comment: This sequence change replaces cysteine, which is neutral and slightly polar, with tyrosine, which is neutral and polar, at codon 1427 of the VPS13B protein (p.Cys1427Tyr). This variant is present in population databases (rs144187978, gnomAD 0.01%). This variant has not been reported in the literature in individuals affected with VPS13B-related conditions. ClinVar contains an entry for this variant (Variation ID: 847860). Algorithms developed to predict the effect of missense changes on protein structure and function are either unavailable or do not agree on the potential impact of this missense change (SIFT: "Not Available"; PolyPhen-2: "Benign"; Align-GVGD: "Not Available"). In summary, the available evidence is currently insufficient to determine the role of this variant in disease. Therefore, it has been classified as a Variant of Uncertain Significance.

Fulgent Genetics
Classification: Uncertain significance for Cohen syndrome. Last evaluated: 2021-07-27. Review status: criteria provided, single submitter. Criteria: ACMG Guidelines, 2015. Collection method: clinical testing. Allele origin: unknown.

Natera, Inc.
Classification: Uncertain significance for Cohen syndrome. Last evaluated: 2020-02-13. Review status: no assertion criteria provided. Collection method: clinical testing. Allele origin: germline. Not counted in ClinVar's aggregate classification.

NM_017890.5(VPS13B):c.4280G>A (p.Cys1427Tyr)

Gene: VPS13B (vacuolar protein sorting 13 homolog B; plus strand). Cytogenetic location: 8q22.2.
Variant type: single nucleotide variant.
Coding change: c.4280G>A on transcript NM_017890.5 (MANE Plus Clinical); coding-DNA position 4280, G replaced by A.
Protein change: p.Cys1427Tyr; replaces cysteine 1427 with tyrosine.
Molecular consequence: missense variant. On other transcripts: intron variant (1).
Genome position (GRCh38, 1-based): chr8:99,507,892, G>A. VCF-style: chr8-99507892-G-A. GRCh37 (hg19) VCF-style: chr8-100520120-G-A.
Other names: c.4224+689G>A (NM_152564.5); short protein forms C1427Y.
Identifiers: ClinVar variation 847860 (VCV000847860.8), dbSNP rs144187978, ClinGen allele CA4823480.